The following is an entry in ClinVar:

NM_032830.3(UTP4):c.1313G>A (p.Arg438His)

Gene: UTP4 (UTP4 small subunit processome component). Cytogenetic location: 16q22.1.
Variant type: single nucleotide variant.
Coding change: c.1313G>A on transcript NM_032830.3 (MANE Select); coding-DNA position 1313, G replaced by A.
Protein change: p.Arg438His; replaces arginine 438 with histidine.
Molecular consequence: missense variant.
Genome position (GRCh38, 1-based): chr16:69,157,109, G>A. VCF-style: chr16-69157109-G-A. GRCh37 (hg19) VCF-style: chr16-69191012-G-A.
Other names: c.1064G>A, p.Arg355His (NM_001318391.2); short protein forms R355H, R438H.
Identifiers: ClinVar variation 714710 (VCV000714710.13), dbSNP rs8056684, ClinGen allele CA8132401.
Genomic context (GRCh38, chr16:69,157,109, plus strand): 5'-TCTCTCACTGGCTTTTATTATTGGTTCACCCAAAGGTTTCCAAAATGCCAGCATTCCTTC[G>A]CTCTGCCCTTCAGATTTTGTTTTCTGAAGATTCAACAAAGCTCTTTGTAGCATCAAATCA-3'
Protein context (NP_116219.2, residues 428-448): KRVSKMPAFL[Arg438His]SALQILFSED

ClinVar aggregate classification (germline): Benign/Likely benign. Review status: criteria provided, multiple submitters, no conflicts (2 of 4 stars). 4 submissions from 4 submitters: Benign (3); Likely benign (1). Last evaluated 2026-01-20.

Conditions:
Hereditary North American Indian childhood cirrhosis. Identifiers: Orphanet 168583, MedGen C1858051, MONDO:0011497, OMIM 604901.

Allele frequency attached by ClinVar (database versions not stated): ESP Exome Variant Server 0.00700; gnomAD 0.00522; 1000 Genomes Project 0.00559; 1000 Genomes Project 30x 0.00578; TOPMed 0.00641.
gnomAD v4.1: 1,826 of 1,614,088 alleles (0.11%); highest among the groups gnomAD compares: African/African-American, 2.1%; 17 homozygotes.

Submissions (4):

Labcorp Genetics (formerly Invitae), Labcorp
Classification: Benign. Last evaluated: 2026-01-20. Review status: criteria provided, single submitter. Criteria: Invitae Variant Classification Sherloc (09022015). Collection method: clinical testing. Allele origin: germline.

Genomic Medicine Center of Excellence, King Faisal Specialist Hospital and Research Centre
Classification: Likely benign. Last evaluated: 2025-08-18. Review status: criteria provided, single submitter. Criteria: ACMG Guidelines, 2015. Collection method: clinical testing. Allele origin: germline.

Illumina Laboratory Services, Illumina
Classification: Benign for Hereditary North American Indian childhood cirrhosis. Last evaluated: 2018-01-13. Review status: criteria provided, single submitter. Criteria: ICSL Variant Classification Criteria 13 December 2019. Collection method: clinical testing. Allele origin: germline.
Comment: This variant was observed in the ICSL laboratory as part of a predisposition screen in an ostensibly healthy population. It had not been previously curated by ICSL or reported in the Human Gene Mutation Database (HGMD: prior to June 1st, 2018), and was therefore a candidate for classification through an automated scoring system. Utilizing variant allele frequency, disease prevalence and penetrance estimates, and inheritance mode, an automated score was calculated to assess if this variant is too frequent to cause the disease. Based on the score and internal cut-off values, a variant classified as benign is not then subjected to further curation. The score for this variant resulted in a classification of benign for this disease.

Breakthrough Genomics
Classification: Benign. Review status: criteria provided, single submitter. Criteria: ACMG Guidelines, 2015. Collection method: not provided. Allele origin: germline. Inheritance: Unknown mechanism. Affected: yes.